The following is an entry in ClinVar:

NM_206933.4(USH2A):c.5573-2A>G

Genes: USH2A (usherin; minus strand), USH2A-AS2 (USH2A antisense RNA 2; plus strand). Cytogenetic location: 1q41.
Variant type: single nucleotide variant.
Coding change: c.5573-2A>G on transcript NM_206933.4 (MANE Select); the canonical splice acceptor site of the intron before coding-DNA position 5573, A replaced by G.
Molecular consequence: splice acceptor variant.
Genome position (GRCh38, 1-based): chr1:216,073,302, T>C on the plus strand (A>G on the coding strand, the complement: USH2A is on the minus strand). VCF-style: chr1-216073302-T-C. GRCh37 (hg19) VCF-style: chr1-216246644-T-C.
Other names: c.5573-2A>G (NM_206933.2).
Identifiers: ClinVar variation 1457160 (VCV001457160.10), dbSNP rs1045789152, ClinGen allele CA37437522.
Genomic context (GRCh38, chr1:216,073,302, plus strand): 5'-TGCCAAGTTAACGACAGCACCCCGTGTAAATTTAACATCCTTCATGCAACCACCGAAACC[T>C]AGCAAATAGTAAGGGATTAGTATCGCATAAAGGGCTTGAGTCATTAATTACCAATCATTT-3'

ClinVar aggregate classification (germline): Pathogenic/Likely pathogenic. Review status: criteria provided, multiple submitters, no conflicts (2 of 4 stars). 3 submissions from 3 submitters: Pathogenic (2); Likely pathogenic (1). Last evaluated 2025-08-21.

Conditions:
USH2A-related disorder. Also called: USH2A-related disorders; USH2A-related condition. Identifiers: MedGen CN239332.
Usher syndrome type 2A. Also called: RETINAL DISEASE IN USHER SYNDROME TYPE IIA, MODIFIER OF; USHER SYNDROME, TYPE IIA. Identifiers: Orphanet 231178, Orphanet 886, MedGen C1848634, MONDO:0010169, OMIM 276901.

Submissions (3):

Labcorp Genetics (formerly Invitae), Labcorp
Classification: Pathogenic. Last evaluated: 2025-08-21. Review status: criteria provided, single submitter. Criteria: Invitae Variant Classification Sherloc (09022015). Collection method: clinical testing. Allele origin: germline.
Comment: This sequence change affects an acceptor splice site in intron 27 of the USH2A gene. It is expected to disrupt RNA splicing. Variants that disrupt the donor or acceptor splice site typically lead to a loss of protein function (PMID: 16199547), and loss-of-function variants in USH2A are known to be pathogenic (PMID: 10729113, 10909849, 20507924, 25649381). This variant is not present in population databases (gnomAD no frequency). Disruption of this splice site has been observed in individuals with Usher syndrome (PMID: 24944099). ClinVar contains an entry for this variant (Variation ID: 1457160). Algorithms developed to predict the effect of sequence changes on RNA splicing suggest that this variant may disrupt the consensus splice site. For these reasons, this variant has been classified as Pathogenic.

Natera, Inc.
Classification: Likely pathogenic for Usher syndrome type 2A. Last evaluated: 2025-01-31. Review status: criteria provided, single submitter. Criteria: Natera Variant Classification Schema (03/2026). Collection method: clinical testing. Allele origin: germline.
Comment: The c.5573-2A>G variant in USH2A is a canonical splice acceptor site variant predicted to affect pre-mRNA splicing, which may result in an abnormal transcript and altered protein product. This variant is expected to result in nonsense mediated decay, truncation, or a dysfunctional protein product. This variant is rare in the general population with a frequency below the threshold expected for the associated phenotype(s). This variant has been observed in one or more individuals affected with the associated recessive disease, as either homozygous or compound heterozygous with a second variant (PMID: 36875754, 24944099). Given the available evidence, this variant is classified as Likely Pathogenic.

Blueprint Genetics
Classification: Pathogenic for USH2A-related disorders. Last evaluated: 2019-03-19. Review status: criteria provided, single submitter. Criteria: ACMG Guidelines, 2015. Collection method: clinical testing. Allele origin: germline. Affected: yes. Observed: 2 variant alleles.

Literature cited by the submitters: PubMed 16199547 (cited by Labcorp Genetics (formerly Invitae), Labcorp); PubMed 10729113 (cited by Labcorp Genetics (formerly Invitae), Labcorp); PubMed 10909849 (cited by Labcorp Genetics (formerly Invitae), Labcorp); PubMed 20507924 (cited by Labcorp Genetics (formerly Invitae), Labcorp); PubMed 25649381 (cited by Labcorp Genetics (formerly Invitae), Labcorp); PubMed 24944099 (cited by Labcorp Genetics (formerly Invitae), Labcorp and Natera, Inc.); PubMed 36875754 (cited by Natera, Inc.).